The following is an entry in ClinVar:

NM_016222.4(DDX41):c.1025C>T (p.Ala342Val)

Gene: DDX41 (DEAD-box helicase 41; minus strand). Cytogenetic location: 5q35.3.
Variant type: single nucleotide variant.
Coding change: c.1025C>T on transcript NM_016222.4 (MANE Select); coding-DNA position 1025, C replaced by T.
Protein change: p.Ala342Val; replaces alanine 342 with valine.
Molecular consequence: missense variant.
Genome position (GRCh38, 1-based): chr5:177,513,758, G>A on the plus strand (C>T on the coding strand, the complement: DDX41 is on the minus strand). VCF-style: chr5-177513758-G-A. GRCh37 (hg19) VCF-style: chr5-176940759-G-A.
Other names: c.647C>T, p.Ala216Val (NM_001321732.2, NM_001321830.2); short protein forms A216V, A342V.
Identifiers: ClinVar variation 4826039 (VCV004826039.1).
Genomic context (GRCh38, chr5:177,513,758, plus strand): 5'-AAGATGGTACGGATGTCACCCTCGAAGCCCATGTCGATCATGCGGTCAGCCTCGTCCAGG[G>A]CCAGGTAGCGACAGATGTCTAGGCTGACCATCTTCTTCTGCAGCAAATCCATGAGGCGCC-3'
Protein context (NP_057306.2, residues 332-352): MVSLDICRYL[Ala342Val]LDEADRMIDM

ClinVar aggregate classification (germline): Uncertain significance (1 of 4 stars; one submission).

Conditions:
Inborn genetic diseases. Identifiers: MedGen C0950123, MeSH D030342.

gnomAD v4.1: 5 of 1,613,770 alleles (0.00031%); highest among the groups gnomAD compares: South Asian, 0.0011%; no homozygotes.

Submission:

Ambry Genetics
Classification: Uncertain significance for Inborn genetic diseases. Last evaluated: 2026-02-26. Review status: criteria provided, single submitter. Criteria: Ambry Variant Classification Scheme 2023. Collection method: clinical testing. Allele origin: germline.
Comment: The p.A342V variant (also known as c.1025C>T), located in coding exon 10 of the DDX41 gene, results from a C to T substitution at nucleotide position 1025. The alanine at codon 342 is replaced by valine, an amino acid with similar properties. This amino acid position is highly conserved in available vertebrate species. In addition, this alteration is predicted to be tolerated by in silico analysis. Based on the available evidence, the clinical significance of this variant remains unclear.